The following is an entry in ClinVar:

ClinVar aggregate classification (germline): Uncertain significance (1 of 4 stars; one submission).

Submission:

GeneDx
Classification: Uncertain significance. Last evaluated: 2024-06-05. Review status: criteria provided, single submitter. Criteria: GeneDx Variant Classification Process June 2021. Collection method: clinical testing. Allele origin: germline. Affected: yes.
Comment: Not observed at significant frequency in large population cohorts (gnomAD); In silico analysis supports that this missense variant has a deleterious effect on protein structure/function; Has not been previously published as pathogenic or benign to our knowledge

NM_001257291.2(SLC9A7):c.1985T>C (p.Leu662Pro)

Gene: SLC9A7 (solute carrier family 9 member A7; minus strand). Cytogenetic location: Xp11.3.
Variant type: single nucleotide variant.
Coding change: c.1985T>C on transcript NM_001257291.2 (MANE Select); coding-DNA position 1985, T replaced by C.
Protein change: p.Leu662Pro; replaces leucine 662 with proline.
Molecular consequence: missense variant.
Genome position (GRCh38, 1-based): chrX:46,607,148, A>G on the plus strand (T>C on the coding strand, the complement: SLC9A7 is on the minus strand). VCF-style: chrX-46607148-A-G. GRCh37 (hg19) VCF-style: chrX-46466583-A-G.
Other names: c.1982T>C, p.Leu661Pro (NM_032591.3); short protein forms L661P, L662P.
Identifiers: ClinVar variation 2136020 (VCV002136020.2), dbSNP rs2519335468, ClinGen allele CA413033003.